The following is an entry in ClinVar:

NM_001999.4(FBN2):c.2648T>A (p.Leu883His)

Gene: FBN2 (fibrillin 2; minus strand). Cytogenetic location: 5q23.3.
Variant type: single nucleotide variant.
Coding change: c.2648T>A on transcript NM_001999.4 (MANE Select); coding-DNA position 2648, T replaced by A.
Protein change: p.Leu883His; replaces leucine 883 with histidine.
Molecular consequence: missense variant.
Genome position (GRCh38, 1-based): chr5:128,357,302, A>T on the plus strand (T>A on the coding strand, the complement: FBN2 is on the minus strand). VCF-style: chr5-128357302-A-T. GRCh37 (hg19) VCF-style: chr5-127692994-A-T.
Other names: short protein forms L883H.
Identifiers: ClinVar variation 2847853 (VCV002847853.3), dbSNP rs2479328350, ClinGen allele CA360767334.

ClinVar aggregate classification (germline): Uncertain significance (1 of 4 stars; one submission).

Conditions:
Congenital contractural arachnodactyly (CCA). Also called: Beals-Hecht syndrome; BEALS SYNDROME; Arthrogryposis, distal, type 9. Identifiers: Orphanet 115, MedGen C0220668, MONDO:0007363, OMIM 121050.

Submission:

Labcorp Genetics (formerly Invitae), Labcorp
Classification: Uncertain significance for Congenital contractural arachnodactyly. Last evaluated: 2023-03-20. Review status: criteria provided, single submitter. Criteria: Invitae Variant Classification Sherloc (09022015). Collection method: clinical testing. Allele origin: germline.
Comment: This sequence change replaces leucine, which is neutral and non-polar, with histidine, which is basic and polar, at codon 883 of the FBN2 protein (p.Leu883His). This variant is not present in population databases (gnomAD no frequency). This variant has not been reported in the literature in individuals affected with FBN2-related conditions. Advanced modeling of protein sequence and biophysical properties (such as structural, functional, and spatial information, amino acid conservation, physicochemical variation, residue mobility, and thermodynamic stability) performed at Invitae indicates that this missense variant is expected to disrupt FBN2 protein function. In summary, the available evidence is currently insufficient to determine the role of this variant in disease. Therefore, it has been classified as a Variant of Uncertain Significance.